The following is an entry in ClinVar:

NM_138813.4(ATP8B3):c.3056G>A (p.Gly1019Asp)

Genes: ATP8B3 (ATPase phospholipid transporting 8B3; minus strand), LOC130062987 (ATAC-STARR-seq lymphoblastoid active region 13625; plus strand). Cytogenetic location: 19p13.3.
Variant type: single nucleotide variant.
Coding change: c.3056G>A on transcript NM_138813.4 (MANE Select); coding-DNA position 3056, G replaced by A.
Protein change: p.Gly1019Asp; replaces glycine 1019 with aspartic acid.
Molecular consequence: missense variant. On other transcripts: non-coding transcript variant (1).
Genome position (GRCh38, 1-based): chr19:1,788,910, C>T on the plus strand (G>A on the coding strand, the complement: ATP8B3 is on the minus strand). VCF-style: chr19-1788910-C-T. GRCh37 (hg19) VCF-style: chr19-1788909-C-T.
Other names: c.2945G>A, p.Gly982Asp (NM_001178002.3); short protein forms G1019D, G982D.
Identifiers: ClinVar variation 3067219 (VCV003067219.21), dbSNP rs202137046, ClinGen allele CA9051057.

ClinVar aggregate classification (germline): Likely benign (1 of 4 stars; one submission).

Allele frequency attached by ClinVar (database versions not stated): 1000 Genomes Project 0.00120; 1000 Genomes Project 30x 0.00125; gnomAD 0.00303; TOPMed 0.00312; ESP Exome Variant Server 0.00360.
gnomAD v4.1: 6,525 of 1,595,252 alleles (0.41%); highest among the groups gnomAD compares: Non-Finnish European, 0.49%; 25 homozygotes.

Submission:

CeGaT Center for Human Genetics Tuebingen
Classification: Likely benign. Last evaluated: 2024-04-01. Review status: criteria provided, single submitter. Criteria: CeGaT Center For Human Genetics Tuebingen Variant Classification Criteria Version 2. Collection method: clinical testing. Allele origin: germline. Affected: yes. Observed: 2 variant alleles.
Comment: ATP8B3: BS2